The following is an entry in ClinVar:

ClinVar aggregate classification (germline): Pathogenic (1 of 4 stars; one submission).

Submission:

Labcorp Genetics (formerly Invitae), Labcorp
Classification: Pathogenic. Last evaluated: 2023-04-07. Review status: criteria provided, single submitter. Criteria: Invitae Variant Classification Sherloc (09022015). Collection method: clinical testing. Allele origin: unknown.
Comment: For these reasons, this variant has been classified as Pathogenic. This variant disrupts a region of the LOXHD1 protein in which other variant(s) (p.Gly881Arg) have been determined to be pathogenic (PMID: 29676012, 33753533; Invitae). This suggests that this is a clinically significant region of the protein, and that variants that disrupt it are likely to be disease-causing. This variant has not been reported in the literature in individuals affected with LOXHD1-related conditions. This variant is a gross deletion of the genomic region encompassing exon(s) 19-20 of the LOXHD1 gene. This variant would be expected to be in-frame, preserving the integrity of the reading frame.

Literature cited by the submitters: PubMed 29676012; PubMed 33753533.

NC_000018.9:g.(?_44139391)_(44140528_?)del

Gene: LOXHD1 (lipoxygenase homology PLAT domains 1; minus strand). Cytogenetic location: 18q21.1.
Variant type: Deletion.
Identifiers: ClinVar variation 3242816 (VCV003242816.1).